The following is an entry in ClinVar:

ClinVar aggregate classification (germline): Conflicting classifications of pathogenicity. Review status: criteria provided, conflicting classifications (1 of 4 stars). 5 submissions from 5 submitters: Uncertain significance (1); Likely benign (4). Last evaluated 2025-11-19.

Allele frequency attached by ClinVar (database versions not stated): gnomAD exomes below 0.00001 and 0.00001; TOPMed below 0.00001.
gnomAD v4.1: 2 of 1,613,080 alleles (0.00012%); highest among the groups gnomAD compares: Admixed American, 0.0033%; no homozygotes.

Submissions (5):

Women's Health and Genetics/Laboratory Corporation of America, LabCorp
Classification: Likely benign. Last evaluated: 2025-11-19. Review status: criteria provided, single submitter. Criteria: LabCorp Variant Classification Summary - May 2015. Collection method: clinical testing. Allele origin: germline.

Labcorp Genetics (formerly Invitae), Labcorp
Classification: Likely benign. Last evaluated: 2023-08-18. Review status: criteria provided, single submitter. Criteria: Invitae Variant Classification Sherloc (09022015). Collection method: clinical testing. Allele origin: germline.

Blueprint Genetics
Classification: Likely benign. Last evaluated: 2022-05-17. Review status: criteria provided, single submitter. Criteria: ACMG Guidelines, 2015. Collection method: clinical testing. Allele origin: germline.

Eurofins Ntd Llc (ga)
Classification: Uncertain significance. Last evaluated: 2017-08-29. Review status: criteria provided, single submitter. Criteria: EGL Classification Definitions 2015. Collection method: clinical testing. Allele origin: germline. Observed: 3 variant alleles, 3 heterozygotes.

Laboratory for Molecular Medicine, Mass General Brigham Personalized Medicine
Classification: Likely benign. Last evaluated: 2013-06-21. Review status: criteria provided, single submitter. Criteria: LMM Criteria. Collection method: clinical testing. Allele origin: germline. Observed: 2 variant alleles.
Comment: Leu2980Leu in exon 41 of GPR98: This variant is not expected to have clinical si gnificance because it does not alter an amino acid residue and is not located wi thin the splice consensus sequence.

NM_032119.4(ADGRV1):c.8938T>C (p.Leu2980=)

Gene: ADGRV1 (adhesion G protein-coupled receptor V1; plus strand). Cytogenetic location: 5q14.3.
Variant type: single nucleotide variant.
Coding change: c.8938T>C on transcript NM_032119.4 (MANE Select); coding-DNA position 8938, T replaced by C.
Protein change: p.Leu2980=; no amino-acid change (leucine 2980 retained).
Molecular consequence: synonymous variant. On other transcripts: non-coding transcript variant (1).
Genome position (GRCh38, 1-based): chr5:90,711,218, T>C. VCF-style: chr5-90711218-T-C. GRCh37 (hg19) VCF-style: chr5-90007035-T-C.
Identifiers: ClinVar variation 46401 (VCV000046401.19), dbSNP rs397517442, ClinGen allele CA138261.